The following is an entry in ClinVar:

ClinVar aggregate classification (germline): Uncertain significance. Review status: criteria provided, multiple submitters, no conflicts (2 of 4 stars). 2 submissions from 2 submitters: Uncertain significance (2). Last evaluated 2025-09-27.

Conditions:
Atrioventricular septal defect 4 (AVSD4). Identifiers: MedGen C3280781, MONDO:0013747, OMIM 614430.

Allele frequency attached by ClinVar (database versions not stated): gnomAD exomes below 0.00001; gnomAD 0.00001 and 0.00002; TOPMed 0.00001.

Submissions (2):

Labcorp Genetics (formerly Invitae), Labcorp
Classification: Uncertain significance for Atrioventricular septal defect 4. Last evaluated: 2025-09-27. Review status: criteria provided, single submitter. Criteria: Invitae Variant Classification Sherloc (09022015). Collection method: clinical testing. Allele origin: germline.
Comment: This sequence change replaces glycine, which is neutral and non-polar, with glutamic acid, which is acidic and polar, at codon 393 of the GATA4 protein (p.Gly393Glu). This variant is present in population databases (no rsID available, gnomAD 0.007%). This variant has not been reported in the literature in individuals affected with GATA4-related conditions. ClinVar contains an entry for this variant (Variation ID: 1026256). Invitae Evidence Modeling of protein sequence and biophysical properties (such as structural, functional, and spatial information, amino acid conservation, physicochemical variation, residue mobility, and thermodynamic stability) has been performed for this missense variant. However, the output from this modeling did not meet the statistical confidence thresholds required to predict the impact of this variant on GATA4 protein function. In summary, the available evidence is currently insufficient to determine the role of this variant in disease. Therefore, it has been classified as a Variant of Uncertain Significance.

GeneDx
Classification: Uncertain significance. Last evaluated: 2022-11-16. Review status: criteria provided, single submitter. Criteria: GeneDx Variant Classification Process June 2021. Collection method: clinical testing. Allele origin: germline. Affected: yes.
Comment: Has not been previously published as pathogenic or benign to our knowledge; Not observed at significant frequency in large population cohorts (gnomAD); In silico analysis supports that this missense variant has a deleterious effect on protein structure/function

NM_001308093.3(GATA4):c.1181G>A (p.Gly394Glu)

Gene: GATA4 (GATA binding protein 4). Cytogenetic location: 8p23.1.
Variant type: single nucleotide variant.
Coding change: c.1181G>A on transcript NM_001308093.3 (MANE Select); coding-DNA position 1181, G replaced by A.
Protein change: p.Gly394Glu; replaces glycine 394 with glutamic acid.
Molecular consequence: missense variant.
Genome position (GRCh38, 1-based): chr8:11,758,324, G>A. VCF-style: chr8-11758324-G-A. GRCh37 (hg19) VCF-style: chr8-11615833-G-A.
Other names: c.560G>A, p.Gly187Glu (NM_001308094.2, NM_001374273.1); c.434G>A, p.Gly145Glu (NM_001374274.1); c.1178G>A, p.Gly393Glu (NM_002052.5); c.1178G>A (NM_002052.3); short protein forms G145E, G187E, G393E, G394E.
Identifiers: ClinVar variation 1026256 (VCV001026256.9), dbSNP rs1000341752, ClinGen allele CA172121418.